The following is an entry in ClinVar:

ClinVar aggregate classification (germline): Uncertain significance. Review status: criteria provided, multiple submitters, no conflicts (2 of 4 stars). 2 submissions from 2 submitters: Uncertain significance (2). Last evaluated 2022-06-27.

Allele frequency attached by ClinVar (database versions not stated): TOPMed below 0.00001; gnomAD exomes 0.00002.
gnomAD v4.1: 28 of 1,592,040 alleles (0.0018%); highest among the groups gnomAD compares: Admixed American, 0.0052%; no homozygotes.

Submissions (2):

Labcorp Genetics (formerly Invitae), Labcorp
Classification: Uncertain significance. Last evaluated: 2022-06-27. Review status: criteria provided, single submitter. Criteria: Invitae Variant Classification Sherloc (09022015). Collection method: clinical testing. Allele origin: germline.
Comment: In summary, the available evidence is currently insufficient to determine the role of this variant in disease. Therefore, it has been classified as a Variant of Uncertain Significance. Algorithms developed to predict the effect of sequence changes on RNA splicing suggest that this variant may disrupt the consensus splice site. Experimental studies and prediction algorithms are not available or were not evaluated, and the functional significance of this variant is currently unknown. This variant has not been reported in the literature in individuals affected with KIZ-related conditions. This variant is not present in population databases (gnomAD no frequency). This sequence change replaces serine with leucine at codon 613 of the KIZ protein (p.Ser613Leu). The serine residue is moderately conserved and there is a large physicochemical difference between serine and leucine.

Blueprint Genetics
Classification: Uncertain significance. Last evaluated: 2019-10-31. Review status: criteria provided, single submitter. Criteria: ACMG Guidelines, 2015. Collection method: clinical testing. Allele origin: germline.

NM_018474.6(KIZ):c.1838C>T (p.Ser613Leu)

Gene: KIZ (kizuna centrosomal protein; plus strand). Cytogenetic location: 20p11.23.
Variant type: single nucleotide variant.
Coding change: c.1838C>T on transcript NM_018474.6 (MANE Select); coding-DNA position 1838, C replaced by T.
Protein change: p.Ser613Leu; replaces serine 613 with leucine.
Molecular consequence: missense variant.
Genome position (GRCh38, 1-based): chr20:21,232,788, C>T. VCF-style: chr20-21232788-C-T. GRCh37 (hg19) VCF-style: chr20-21213426-C-T.
Other names: c.1529C>T, p.Ser510Leu (NM_001163022.3); c.1439C>T, p.Ser480Leu (NM_001163023.3); c.1691C>T, p.Ser564Leu (NM_001276389.2); c.1784C>T, p.Ser595Leu (NM_001352434.2); c.1475C>T, p.Ser492Leu (NM_001352435.2); c.1496C>T, p.Ser499Leu (NM_001352436.2); short protein forms S492L, S499L, S595L, S480L, S510L, S564L, S613L.
Identifiers: ClinVar variation 1367309 (VCV001367309.7), dbSNP rs1344428785, ClinGen allele CA408495502.